The following is an entry in ClinVar:

ClinVar aggregate classification (germline): Uncertain significance (1 of 4 stars; one submission).

Conditions:
Wiskott-Aldrich syndrome (WAS). Also called: WISKOTT-ALDRICH SYNDROME 1; ALDRICH SYNDROME; IMMUNODEFICIENCY 2; Wiskott-aldrich syndrome, somatic. Identifiers: Orphanet 906, MedGen C0043194, MONDO:0010518, OMIM 301000.
X-linked severe congenital neutropenia (SCNX). Identifiers: Orphanet 86788, MedGen C1845987, MONDO:0010294, OMIM 300299.
Thrombocytopenia 1. Also called: X-linked thrombocytopenia with normal platelets; THROMBOCYTOPENIA, X-LINKED, 1; X-Linked Thrombocytopenia (XLT). Identifiers: Orphanet 268322, Orphanet 852, MedGen C1839163, MONDO:0010743, OMIM 313900.

Allele frequency attached by ClinVar (database versions not stated): gnomAD exomes below 0.00001 and 0.00001; TOPMed 0.00001; gnomAD 0.00002 and 0.00003.

Submission:

Labcorp Genetics (formerly Invitae), Labcorp
Classification: Uncertain significance for Wiskott-Aldrich syndrome; X-linked severe congenital neutropenia; Thrombocytopenia 1. Last evaluated: 2025-12-03. Review status: criteria provided, single submitter. Criteria: Invitae Variant Classification Sherloc (09022015). Collection method: clinical testing. Allele origin: germline.
Comment: This sequence change replaces arginine, which is basic and polar, with cysteine, which is neutral and slightly polar, at codon 227 of the WAS protein (p.Arg227Cys). The frequency data for this variant in the population databases is considered unreliable, as metrics indicate poor data quality at this position in the gnomAD database. This variant has not been reported in the literature in individuals affected with WAS-related conditions. ClinVar contains an entry for this variant (Variation ID: 660462). Invitae Evidence Modeling of protein sequence and biophysical properties (such as structural, functional, and spatial information, amino acid conservation, physicochemical variation, residue mobility, and thermodynamic stability) indicates that this missense variant is not expected to disrupt WAS protein function with a negative predictive value of 80%. In summary, the available evidence is currently insufficient to determine the role of this variant in disease. Therefore, it has been classified as a Variant of Uncertain Significance.

NM_000377.3(WAS):c.679C>T (p.Arg227Cys)

Gene: WAS (WASP actin nucleation promoting factor; plus strand). Cytogenetic location: Xp11.23.
Variant type: single nucleotide variant.
Coding change: c.679C>T on transcript NM_000377.3 (MANE Select); coding-DNA position 679, C replaced by T.
Protein change: p.Arg227Cys; replaces arginine 227 with cysteine.
Molecular consequence: missense variant.
Genome position (GRCh38, 1-based): chrX:48,686,900, C>T. VCF-style: chrX-48686900-C-T. GRCh37 (hg19) VCF-style: chrX-48545289-C-T.
Other names: short protein forms R227C.
Identifiers: ClinVar variation 660462 (VCV000660462.5), dbSNP rs1395882218, ClinGen allele CA412870833.